The following is an entry in ClinVar:

GRCh38/hg38 Xp22.31(chrX:6534166-8158120)x0

Genes: MIR4767 (microRNA 4767; plus strand), MIR651 (microRNA 651; plus strand), PNPLA4 (patatin like phospholipase domain containing 4; minus strand), PUDP (pseudouridine 5'-phosphatase; minus strand), STS (steroid sulfatase; plus strand) and 23 more. Cytogenetic location: Xp22.31.
Variant type: copy number loss.
Change: copy number 0 of chrX:6,534,166-8,158,120 (1.62 Mb, GRCh38 coordinates, 1-based), cytogenetic band Xp22.31.
Identifiers: ClinVar variation 59216 (VCV000059216.2).

ClinVar aggregate classification (germline): Pathogenic (1 of 4 stars; one submission).

Submission:

ISCA Site 6
Classification: Pathogenic. Last evaluated: 2011-08-12. Review status: criteria provided, single submitter. Criteria: Kaminsky et al. (Genet Med. 2011). Collection method: clinical testing. Allele origin: unknown. Affected: yes. Observed: 1 variant allele.
Comment: Copy number variation identified through the course of routine clinical cytogenomic testing in postnatal populations. Clinical assertions have been curated as described in Kaminsky et al. 2011.